The following is an entry in ClinVar:

NM_016333.4(SRRM2):c.6802A>G (p.Met2268Val)

Gene: SRRM2 (serine/arginine repetitive matrix 2; plus strand). Cytogenetic location: 16p13.3.
Variant type: single nucleotide variant.
Coding change: c.6802A>G on transcript NM_016333.4 (MANE Select); coding-DNA position 6802, A replaced by G.
Protein change: p.Met2268Val; replaces methionine 2268 with valine.
Molecular consequence: missense variant.
Genome position (GRCh38, 1-based): chr16:2,767,330, A>G. VCF-style: chr16-2767330-A-G. GRCh37 (hg19) VCF-style: chr16-2817331-A-G.
Other names: short protein forms M2268V.
Identifiers: ClinVar variation 2629581 (VCV002629581.1), dbSNP rs2505614446, ClinGen allele CA394427681.

ClinVar aggregate classification (germline): Uncertain significance (1 of 4 stars; one submission).

Conditions:
SRRM2-related disorder. Also called: SRRM2-related condition.

Submission:

PreventionGenetics, part of Exact Sciences
Classification: Uncertain significance for SRRM2-related condition. Last evaluated: 2022-12-21. Review status: criteria provided, single submitter. Criteria: ACMG Guidelines, 2015. Collection method: clinical testing. Allele origin: germline.
Comment: The SRRM2 c.6802A>G variant is predicted to result in the amino acid substitution p.Met2268Val. To our knowledge, this variant has not been reported in the literature or in a large population database, indicating this variant is rare. At this time, the clinical significance of this variant is uncertain due to the absence of conclusive functional and genetic evidence.